The following is an entry in ClinVar:

NM_000059.4(BRCA2):c.5609T>G (p.Phe1870Cys)

Gene: BRCA2 (BRCA2 DNA repair associated; plus strand). Cytogenetic location: 13q13.1.
Variant type: single nucleotide variant.
Coding change: c.5609T>G on transcript NM_000059.4 (MANE Select); coding-DNA position 5609, T replaced by G.
Protein change: p.Phe1870Cys; replaces phenylalanine 1870 with cysteine.
Molecular consequence: missense variant.
Genome position (GRCh38, 1-based): chr13:32,339,964, T>G. VCF-style: chr13-32339964-T-G. GRCh37 (hg19) VCF-style: chr13-32914101-T-G.
Other names: short protein forms F1870C.
Identifiers: ClinVar variation 479364 (VCV000479364.16), dbSNP rs1135401908, ClinGen allele CA387786080.

ClinVar aggregate classification (germline): Conflicting classifications of pathogenicity. Review status: criteria provided, conflicting classifications (1 of 4 stars). 5 submissions from 5 submitters: Uncertain significance (3); Likely benign (2). Last evaluated 2026-03-06.

Conditions:
Hereditary cancer-predisposing syndrome. Also called: Tumor predisposition; Hereditary Cancer Syndrome; Hereditary neoplastic syndrome; Neoplastic Syndromes, Hereditary. Identifiers: Orphanet 140162, MedGen C0027672, MeSH D009386, MONDO:0015356.
Hereditary breast ovarian cancer syndrome. Also called: Hereditary breast and ovarian cancer syndrome (HBOC); Breast and ovarian cancer; Hereditary breast and ovarian cancer; Hereditary breast and ovarian cancer syndrome; BRCA1- and BRCA2-Associated Hereditary Breast and Ovarian Cancer; Hereditary breast and/or ovarian cancer syndrome. Identifiers: Orphanet 145, MedGen C0677776, MeSH D061325, MONDO:0003582. Disease mechanism: loss of function.

Submissions (5):

Women's Health and Genetics/Laboratory Corporation of America, LabCorp
Classification: Uncertain significance. Last evaluated: 2026-03-06. Review status: criteria provided, single submitter. Criteria: LabCorp Variant Classification Summary - May 2015. Collection method: clinical testing. Allele origin: germline.

Labcorp Genetics (formerly Invitae), Labcorp
Classification: Uncertain significance for Hereditary breast ovarian cancer syndrome. Last evaluated: 2025-03-13. Review status: criteria provided, single submitter. Criteria: Invitae Variant Classification Sherloc (09022015). Collection method: clinical testing. Allele origin: germline.
Comment: This sequence change replaces phenylalanine, which is neutral and non-polar, with cysteine, which is neutral and slightly polar, at codon 1870 of the BRCA2 protein (p.Phe1870Cys). This variant is not present in population databases (gnomAD no frequency). This variant has not been reported in the literature in individuals affected with BRCA2-related conditions. ClinVar contains an entry for this variant (Variation ID: 479364). Invitae Evidence Modeling of protein sequence and biophysical properties (such as structural, functional, and spatial information, amino acid conservation, physicochemical variation, residue mobility, and thermodynamic stability) indicates that this missense variant is not expected to disrupt BRCA2 protein function with a negative predictive value of 95%. In summary, the available evidence is currently insufficient to determine the role of this variant in disease. Therefore, it has been classified as a Variant of Uncertain Significance.

Quest Diagnostics Nichols Institute San Juan Capistrano
Classification: Uncertain significance. Last evaluated: 2024-03-08. Review status: criteria provided, single submitter. Criteria: Quest Diagnostics criteria. Collection method: clinical testing. Allele origin: unknown.
Comment: The BRCA2 c.5609T>G (p.Phe1870Cys) variant has been reported in the published literature to be located in a region of the BRCA2 gene that is tolerant to missense sequence changes (PMID: 31911673 (2020)). To the best of our knowledge, this variant has not been reported in individuals with BRCA2-related disorders. This variant has not been reported in large, multi-ethnic general populations (Genome Aggregation Database). Analysis of this variant using bioinformatics tools for the prediction of the effect of amino acid changes on protein structure and function yielded predictions that this variant is benign. Based on the available information, we are unable to determine the clinical significance of this variant.

University of Washington Department of Laboratory Medicine, University of Washington
Classification: Likely benign for Hereditary cancer-predisposing syndrome. Last evaluated: 2023-03-23. Review status: criteria provided, single submitter. Criteria: Dines et al. (Genet Med. 2020). Collection method: curation. Allele origin: germline.
Comment: Missense variant in a coldspot region where missense variants are very unlikely to be pathogenic (PMID:31911673).

BRCA2 exon 11 coldspot. Reclassification based on statistical prior probability.

Ambry Genetics
Classification: Likely benign for Hereditary cancer-predisposing syndrome. Last evaluated: 2019-01-09. Review status: criteria provided, single submitter. Criteria: Ambry Variant Classification Scheme 2023. Collection method: clinical testing. Allele origin: germline.

Literature cited by the submitters: PubMed 31911673 (cited by Quest Diagnostics Nichols Institute San Juan Capistrano); PubMed 29884841 (cited by Quest Diagnostics Nichols Institute San Juan Capistrano).